The following is an entry in ClinVar:

ClinVar aggregate classification (germline): Likely benign (1 of 4 stars; one submission).

Allele frequency attached by ClinVar (database versions not stated): gnomAD exomes 0.00108; 1000 Genomes Project 0.00958; 1000 Genomes Project 30x 0.00999; gnomAD 0.01178 and 0.01282; TOPMed 0.01333.

Submission:

GeneDx
Classification: Likely benign. Last evaluated: 2018-06-16. Review status: criteria provided, single submitter. Criteria: GeneDx Variant Classification (06012015). Collection method: clinical testing. Allele origin: germline. Affected: yes.
Comment: This variant is considered likely benign or benign based on one or more of the following criteria: it is a conservative change, it occurs at a poorly conserved position in the protein, it is predicted to be benign by multiple in silico algorithms, and/or has population frequency not consistent with disease.

NM_144672.4(OTOA):c.400-61C>T

Gene: OTOA (otoancorin). Cytogenetic location: 16p12.2.
Variant type: single nucleotide variant.
Coding change: c.400-61C>T on transcript NM_144672.4 (MANE Select); 61 bases into the intron before coding-DNA position 400, C replaced by T.
Molecular consequence: intron variant.
Genome position (GRCh38, 1-based): chr16:21,687,352, C>T. VCF-style: chr16-21687352-C-T. GRCh37 (hg19) VCF-style: chr16-21698673-C-T.
Other names: c.163-61C>T (NM_001161683.2).
Identifiers: ClinVar variation 684123 (VCV000684123.1), dbSNP rs74358975, ClinGen allele CA279395838.